The following is an entry in ClinVar:

NM_001367624.2(ZNF469):c.6089C>A (p.Thr2030Asn)

Gene: ZNF469 (zinc finger protein 469; plus strand). Cytogenetic location: 16q24.2.
Variant type: single nucleotide variant.
Coding change: c.6089C>A on transcript NM_001367624.2 (MANE Select); coding-DNA position 6089, C replaced by A.
Protein change: p.Thr2030Asn; replaces threonine 2030 with asparagine.
Molecular consequence: missense variant.
Genome position (GRCh38, 1-based): chr16:88,433,559, C>A. VCF-style: chr16-88433559-C-A. GRCh37 (hg19) VCF-style: chr16-88499967-C-A.
Other names: short protein forms T2030N.
Identifiers: ClinVar variation 2180153 (VCV002180153.1), dbSNP rs1187622865, ClinGen allele CA397103872.
Genomic context (GRCh38, chr16:88,433,559, plus strand): 5'-GGGGCACGGACAACCACGCCTCAGTCAATGCCAGTCCCAAAACAGCGCTGACCGGCCCCA[C>A]CGAGGGTGCAGTCCTGCTAGAGAAATGCAAGGGAAGCAGGGCAGCCATGAGCCTTCAGGA-3'
Protein context (NP_001354553.1, residues 2020-2040): ASPKTALTGP[Thr2030Asn]EGAVLLEKCK

ClinVar aggregate classification (germline): Uncertain significance (1 of 4 stars; one submission).

Allele frequency attached by ClinVar (database versions not stated): gnomAD exomes below 0.00001; gnomAD 0.00001; TOPMed 0.00002.
gnomAD v4.1: 4 of 1,550,248 alleles (0.00026%); highest among the groups gnomAD compares: Admixed American, 0.0078%; no homozygotes.

Submission:

Labcorp Genetics (formerly Invitae), Labcorp
Classification: Uncertain significance. Last evaluated: 2022-05-04. Review status: criteria provided, single submitter. Criteria: Invitae Variant Classification Sherloc (09022015). Collection method: clinical testing. Allele origin: germline.
Comment: This sequence change replaces threonine, which is neutral and polar, with asparagine, which is neutral and polar, at codon 2002 of the ZNF469 protein (p.Thr2002Asn). This variant is present in population databases (no rsID available, gnomAD 0.02%). This variant has not been reported in the literature in individuals affected with ZNF469-related conditions. Algorithms developed to predict the effect of missense changes on protein structure and function are either unavailable or do not agree on the potential impact of this missense change (SIFT: "Deleterious"; PolyPhen-2: "Benign"; Align-GVGD: "Class C0"). In summary, the available evidence is currently insufficient to determine the role of this variant in disease. Therefore, it has been classified as a Variant of Uncertain Significance.